The following is an entry in ClinVar:

ClinVar aggregate classification (germline): Uncertain significance. Review status: criteria provided, multiple submitters, no conflicts (2 of 4 stars). 3 submissions from 3 submitters: Uncertain significance (3). Last evaluated 2024-12-20.

Conditions:
Hereditary pancreatitis (PCTT). Also called: Hereditary chronic pancreatitis; PRSS1-Related Hereditary Pancreatitis. Identifiers: Orphanet 676, MedGen C0238339, MONDO:0008185, OMIM 167800.

Allele frequency attached by ClinVar (database versions not stated): gnomAD exomes 0.00001; ExAC 0.00002; gnomAD 0.00002; TOPMed 0.00002; ESP Exome Variant Server 0.00015.
gnomAD v4.1: 24 of 1,614,046 alleles (0.0015%); highest among the groups gnomAD compares: Non-Finnish European, 0.0019%; no homozygotes.

Submissions (3):

Ambry Genetics
Classification: Uncertain significance for Hereditary pancreatitis. Last evaluated: 2024-12-20. Review status: criteria provided, single submitter. Criteria: Ambry Variant Classification Scheme 2023. Collection method: clinical testing. Allele origin: germline.
Comment: The p.R240W variant (also known as c.718C>T), located in coding exon 7 of the CTRC gene, results from a C to T substitution at nucleotide position 718. The arginine at codon 240 is replaced by tryptophan, an amino acid with dissimilar properties. This amino acid position is poorly conserved in available vertebrate species. In addition, this alteration is predicted to be tolerated by in silico analysis. Based on the available evidence, the clinical significance of this variant remains unclear.

Labcorp Genetics (formerly Invitae), Labcorp
Classification: Uncertain significance for Hereditary pancreatitis. Last evaluated: 2024-12-16. Review status: criteria provided, single submitter. Criteria: Invitae Variant Classification Sherloc (09022015). Collection method: clinical testing. Allele origin: germline.
Comment: This sequence change replaces arginine, which is basic and polar, with tryptophan, which is neutral and slightly polar, at codon 240 of the CTRC protein (p.Arg240Trp). This variant is present in population databases (rs367676653, gnomAD 0.006%). This variant has not been reported in the literature in individuals affected with CTRC-related conditions. ClinVar contains an entry for this variant (Variation ID: 2037958). Invitae Evidence Modeling of protein sequence and biophysical properties (such as structural, functional, and spatial information, amino acid conservation, physicochemical variation, residue mobility, and thermodynamic stability) has been performed for this missense variant. However, the output from this modeling did not meet the statistical confidence thresholds required to predict the impact of this variant on CTRC protein function. In summary, the available evidence is currently insufficient to determine the role of this variant in disease. Therefore, it has been classified as a Variant of Uncertain Significance.

Fulgent Genetics
Classification: Uncertain significance for Hereditary pancreatitis. Last evaluated: 2024-04-14. Review status: criteria provided, single submitter. Criteria: ACMG Guidelines, 2015. Collection method: clinical testing. Allele origin: germline.

NM_007272.3(CTRC):c.718C>T (p.Arg240Trp)

Gene: CTRC (chymotrypsin C; plus strand). Cytogenetic location: 1p36.21.
Variant type: single nucleotide variant.
Coding change: c.718C>T on transcript NM_007272.3 (MANE Select); coding-DNA position 718, C replaced by T.
Protein change: p.Arg240Trp; replaces arginine 240 with tryptophan.
Molecular consequence: missense variant.
Genome position (GRCh38, 1-based): chr1:15,445,675, C>T. VCF-style: chr1-15445675-C-T. GRCh37 (hg19) VCF-style: chr1-15772170-C-T.
Other names: c.718C>T (NM_007272.2); short protein forms R240W.
Identifiers: ClinVar variation 2037958 (VCV002037958.6), dbSNP rs367676653, ClinGen allele CA613449.